The following is an entry in ClinVar:

NM_170707.4(LMNA):c.711_716del (p.Glu238_Ser239del)

Gene: LMNA (lamin A/C; plus strand). Cytogenetic location: 1q22.
Variant type: Deletion.
Coding change: c.711_716del on transcript NM_170707.4 (MANE Select); coding-DNA positions 711 to 716, 6 bases deleted (TGAGAG; older notation c.711_716delTGAGAG).
Protein change: p.Glu238_Ser239del.
Molecular consequence: inframe deletion. On other transcripts: inframe indel (21).
Genome position (GRCh38, 1-based): chr1:156,134,876-156,134,881, TGAGAG deleted. VCF-style (leftmost placement, unchanged base first): chr1-156134875-TTGAGAG-T. GRCh37 (hg19) VCF-style: chr1-156104666-TTGAGAG-T.
Other names: c.375_380del, p.Glu126_Ser127del (NM_001257374.3); c.468_473del, p.Glu157_Ser158del (NM_001282624.2); c.711_716del, p.Glu238_Ser239del (NM_001282625.2, NM_001282626.2, NM_005572.4 and 1 more transcripts); c.711_716delTGAGAG, p.Glu238_Ser239del (NM_001406983.1, NM_001406984.1, NM_001406985.1 and 2 more transcripts); c.468_473delTGAGAG, p.Glu157_Ser158del (NM_001406986.1, NM_001406987.1); c.414_419delTGAGAG, p.Glu139_Ser140del (NM_001406988.1); c.375_380delTGAGAG, p.Glu126_Ser127del (NM_001406989.1, NM_001406998.1); c.153_158delTGAGAG, p.Glu52_Ser53del (NM_001406990.1, NM_001406993.1, NM_001406995.1 and 4 more transcripts); and 1 more.
Identifiers: ClinVar variation 2428107 (VCV002428107.6), dbSNP rs2527973307, ClinGen allele CA2580061175.

ClinVar aggregate classification (germline): Uncertain significance (1 of 4 stars; one submission).

Conditions:
Charcot-Marie-Tooth disease type 2. Also called: Charcot-Marie-Tooth type 2. Identifiers: Orphanet 64746, MedGen C0270914, MONDO:0018993.

Submission:

Labcorp Genetics (formerly Invitae), Labcorp
Classification: Uncertain significance for Charcot-Marie-Tooth disease type 2. Last evaluated: 2025-11-21. Review status: criteria provided, single submitter. Criteria: Invitae Variant Classification Sherloc (09022015). Collection method: clinical testing. Allele origin: germline.
Comment: This variant, c.711_716del, results in the deletion of 2 amino acid(s) of the LMNA protein (p.Glu238_Ser239del), but otherwise preserves the integrity of the reading frame. This variant is not present in population databases (gnomAD no frequency). This variant has not been reported in the literature in individuals affected with LMNA-related conditions. ClinVar contains an entry for this variant (Variation ID: 2428107). Experimental studies and prediction algorithms are not available or were not evaluated, and the functional significance of this variant is currently unknown. In summary, the available evidence is currently insufficient to determine the role of this variant in disease. Therefore, it has been classified as a Variant of Uncertain Significance.